The following is an entry in ClinVar:

ClinVar aggregate classification (germline): Uncertain significance (1 of 4 stars; one submission).

Conditions:
Sulfite oxidase deficiency due to molybdenum cofactor deficiency type C. Also called: Molybdenum cofactor deficiency, complementation group C; Molybdenum cofactor deficiency C. Identifiers: Orphanet 308400, Orphanet 833, MedGen C1854990, MONDO:0014212, OMIM 615501.

Allele frequency attached by ClinVar (database versions not stated): TOPMed below 0.00001.

Submission:

Labcorp Genetics (formerly Invitae), Labcorp
Classification: Uncertain significance for Sulfite oxidase deficiency due to molybdenum cofactor deficiency type C. Last evaluated: 2022-03-25. Review status: criteria provided, single submitter. Criteria: Invitae Variant Classification Sherloc (09022015). Collection method: clinical testing. Allele origin: germline.
Comment: In summary, the available evidence is currently insufficient to determine the role of this variant in disease. Therefore, it has been classified as a Variant of Uncertain Significance. Algorithms developed to predict the effect of missense changes on protein structure and function output the following: SIFT: "Tolerated"; PolyPhen-2: "Benign"; Align-GVGD: "Class C0". The proline amino acid residue is found in multiple mammalian species, which suggests that this missense change does not adversely affect protein function. This variant has not been reported in the literature in individuals affected with GPHN-related conditions. This variant is not present in population databases (gnomAD no frequency). This sequence change replaces serine, which is neutral and polar, with proline, which is neutral and non-polar, at codon 269 of the GPHN protein (p.Ser269Pro).

NM_020806.5(GPHN):c.805T>C (p.Ser269Pro)

Gene: GPHN (gephyrin; plus strand). Cytogenetic location: 14q23.3.
Variant type: single nucleotide variant.
Coding change: c.805T>C on transcript NM_020806.5 (MANE Select); coding-DNA position 805, T replaced by C.
Protein change: p.Ser269Pro; replaces serine 269 with proline.
Molecular consequence: missense variant. On other transcripts: intron variant (7).
Genome position (GRCh38, 1-based): chr14:66,924,269, T>C. VCF-style: chr14-66924269-T-C. GRCh37 (hg19) VCF-style: chr14-67390986-T-C.
Other names: c.768+1331T>C (NM_001377514.1, NM_001377519.1); c.729+1331T>C (NM_001377515.1, NM_001377516.1, NM_001377518.1 and 2 more transcripts); short protein forms S269P.
Identifiers: ClinVar variation 1984085 (VCV001984085.4), dbSNP rs2066364720, ClinGen allele CA390256760.